The following is an entry in ClinVar:

ClinVar aggregate classification (germline): Uncertain significance. Review status: criteria provided, multiple submitters, no conflicts (2 of 4 stars). 2 submissions from 2 submitters: Uncertain significance (2). Last evaluated 2025-11-12.

Conditions:
Inborn genetic diseases. Identifiers: MedGen C0950123, MeSH D030342.

gnomAD v4.1: 9 of 1,614,014 alleles (0.00056%); highest among the groups gnomAD compares: Non-Finnish European, 0.00076%; no homozygotes.

Submissions (2):

Labcorp Genetics (formerly Invitae), Labcorp
Classification: Uncertain significance. Last evaluated: 2025-11-12. Review status: criteria provided, single submitter. Criteria: Invitae Variant Classification Sherloc (09022015). Collection method: clinical testing. Allele origin: germline.
Comment: This sequence change replaces glycine, which is neutral and non-polar, with arginine, which is basic and polar, at codon 1300 of the DUOX2 protein (p.Gly1300Arg). This variant is present in population databases (no rsID available, gnomAD 0.0009%). This variant has not been reported in the literature in individuals affected with DUOX2-related conditions. ClinVar contains an entry for this variant (Variation ID: 3505741). Invitae Evidence Modeling of protein sequence and biophysical properties (such as structural, functional, and spatial information, amino acid conservation, physicochemical variation, residue mobility, and thermodynamic stability) indicates that this missense variant is expected to disrupt DUOX2 protein function with a positive predictive value of 80%. In summary, the available evidence is currently insufficient to determine the role of this variant in disease. Therefore, it has been classified as a Variant of Uncertain Significance.

Ambry Genetics
Classification: Uncertain significance for Inborn genetic diseases. Last evaluated: 2024-06-30. Review status: criteria provided, single submitter. Criteria: Ambry Variant Classification Scheme 2023. Collection method: clinical testing. Allele origin: germline.

NM_001363711.2(DUOX2):c.3898G>C (p.Gly1300Arg)

Gene: DUOX2 (dual oxidase 2; minus strand). Cytogenetic location: 15q21.1.
Variant type: single nucleotide variant.
Coding change: c.3898G>C on transcript NM_001363711.2 (MANE Select); coding-DNA position 3898, G replaced by C.
Protein change: p.Gly1300Arg; replaces glycine 1300 with arginine.
Molecular consequence: missense variant.
Genome position (GRCh38, 1-based): chr15:45,096,010, C>G on the plus strand (G>C on the coding strand, the complement: DUOX2 is on the minus strand). VCF-style: chr15-45096010-C-G. GRCh37 (hg19) VCF-style: chr15-45388208-C-G.
Other names: c.3898G>C, p.Gly1300Arg (NM_014080.5); short protein forms G1300R.
Identifiers: ClinVar variation 3505741 (VCV003505741.3).